The following is an entry in ClinVar:

NM_005188.4(CBL):c.2389A>C (p.Ser797Arg)

Gene: CBL (Cbl proto-oncogene; plus strand). Cytogenetic location: 11q23.3.
Variant type: single nucleotide variant.
Coding change: c.2389A>C on transcript NM_005188.4 (MANE Select); coding-DNA position 2389, A replaced by C.
Protein change: p.Ser797Arg; replaces serine 797 with arginine.
Molecular consequence: missense variant.
Genome position (GRCh38, 1-based): chr11:119,298,495, A>C. VCF-style: chr11-119298495-A-C. GRCh37 (hg19) VCF-style: chr11-119169205-A-C.
Other names: short protein forms S797R.
Identifiers: ClinVar variation 1388534 (VCV001388534.10), dbSNP rs138151048, ClinGen allele CA6318766.

ClinVar aggregate classification (germline): Uncertain significance. Review status: criteria provided, multiple submitters, no conflicts (2 of 4 stars). 3 submissions from 3 submitters: Uncertain significance (3). Last evaluated 2025-03-30.

Conditions:
RASopathy. Also called: rasopathies; Noonan spectrum disorder. Identifiers: Orphanet 536391, MedGen C5555857, MONDO:0021060.

Allele frequency attached by ClinVar (database versions not stated): gnomAD 0.00001.
gnomAD v4.1: 4 of 1,614,084 alleles (0.00025%); highest among the groups gnomAD compares: Non-Finnish European, 0.00034%; no homozygotes.

Submissions (3):

Labcorp Genetics (formerly Invitae), Labcorp
Classification: Uncertain significance for RASopathy. Last evaluated: 2025-03-30. Review status: criteria provided, single submitter. Criteria: Invitae Variant Classification Sherloc (09022015). Collection method: clinical testing. Allele origin: germline.
Comment: This sequence change replaces serine, which is neutral and polar, with arginine, which is basic and polar, at codon 797 of the CBL protein (p.Ser797Arg). This variant is present in population databases (rs138151048, gnomAD 0.002%). This variant has not been reported in the literature in individuals affected with CBL-related conditions. ClinVar contains an entry for this variant (Variation ID: 1388534). Invitae Evidence Modeling of protein sequence and biophysical properties (such as structural, functional, and spatial information, amino acid conservation, physicochemical variation, residue mobility, and thermodynamic stability) indicates that this missense variant is not expected to disrupt CBL protein function with a negative predictive value of 95%. In summary, the available evidence is currently insufficient to determine the role of this variant in disease. Therefore, it has been classified as a Variant of Uncertain Significance.

Women's Health and Genetics/Laboratory Corporation of America, LabCorp
Classification: Uncertain significance. Last evaluated: 2024-08-11. Review status: criteria provided, single submitter. Criteria: LabCorp Variant Classification Summary - May 2015. Collection method: clinical testing. Allele origin: germline.

Blueprint Genetics
Classification: Uncertain significance. Last evaluated: 2019-09-02. Review status: criteria provided, single submitter. Criteria: ACMG Guidelines, 2015. Collection method: clinical testing. Allele origin: germline.